The following is an entry in ClinVar:

NM_000081.4(LYST):c.7322A>C (p.Asn2441Thr)

Gene: LYST (lysosomal trafficking regulator; minus strand). Cytogenetic location: 1q42.3.
Variant type: single nucleotide variant.
Coding change: c.7322A>C on transcript NM_000081.4 (MANE Select); coding-DNA position 7322, A replaced by C.
Protein change: p.Asn2441Thr; replaces asparagine 2441 with threonine.
Molecular consequence: missense variant.
Genome position (GRCh38, 1-based): chr1:235,753,182, T>G on the plus strand (A>C on the coding strand, the complement: LYST is on the minus strand). VCF-style: chr1-235753182-T-G. GRCh37 (hg19) VCF-style: chr1-235916482-T-G.
Other names: c.7322A>C, p.Asn2441Thr (NM_001301365.1); short protein forms N2441T.
Identifiers: ClinVar variation 525165 (VCV000525165.3), dbSNP rs752896052, ClinGen allele CA344932410.
Genomic context (GRCh38, chr1:235,753,182, plus strand): 5'-ACCTTAGAACAAGAATTTAAAATTTGGAGAAGAAGTAAAAGAGCATTATGCAAGAGTATG[T>G]TGTCATATAGAGAGGTCTCTATTAGTCCCAGAATAGGAATGACAGACCACTTCTGAAACA-3'
Protein context (NP_000072.2, residues 2431-2451): LGLIETSLYD[Asn2441Thr]ILLHNALLLL

ClinVar aggregate classification (germline): Uncertain significance (1 of 4 stars; one submission).

Conditions:
Chédiak-Higashi syndrome (CHS). Also called: Chediak-Higashi Syndrome. Identifiers: Orphanet 167, MedGen C0007965, MONDO:0008963, OMIM 214500.

Submission:

Labcorp Genetics (formerly Invitae), Labcorp
Classification: Uncertain significance for Chédiak-Higashi syndrome. Last evaluated: 2021-08-28. Review status: criteria provided, single submitter. Criteria: Invitae Variant Classification Sherloc (09022015). Collection method: clinical testing. Allele origin: germline.
Comment: This sequence change replaces asparagine with threonine at codon 2441 of the LYST protein (p.Asn2441Thr). The asparagine residue is moderately conserved and there is a small physicochemical difference between asparagine and threonine. This variant is not present in population databases (ExAC no frequency). This variant has not been reported in the literature in individuals affected with LYST-related conditions. Algorithms developed to predict the effect of missense changes on protein structure and function are either unavailable or do not agree on the potential impact of this missense change (SIFT: "Tolerated"; PolyPhen-2: "Possibly Damaging"; Align-GVGD: "Class C0"). In summary, the available evidence is currently insufficient to determine the role of this variant in disease. Therefore, it has been classified as a Variant of Uncertain Significance.